The following is an entry in ClinVar:

NM_020919.4(ALS2):c.1204G>A (p.Ala402Thr)

Gene: ALS2 (alsin Rho guanine nucleotide exchange factor ALS2; minus strand). Cytogenetic location: 2q33.1.
Variant type: single nucleotide variant.
Coding change: c.1204G>A on transcript NM_020919.4 (MANE Select); coding-DNA position 1204, G replaced by A.
Protein change: p.Ala402Thr; replaces alanine 402 with threonine.
Molecular consequence: missense variant.
Genome position (GRCh38, 1-based): chr2:201,757,669, C>T on the plus strand (G>A on the coding strand, the complement: ALS2 is on the minus strand). VCF-style: chr2-201757669-C-T. GRCh37 (hg19) VCF-style: chr2-202622392-C-T.
Other names: c.1204G>A (NM_020919.3); c.1204G>A, p.Ala402Thr (NM_001410975.1); short protein forms A402T.
Identifiers: ClinVar variation 2148976 (VCV002148976.5), dbSNP rs1260922548, ClinGen allele CA350327032.
Genomic context (GRCh38, chr2:201,757,669, plus strand): 5'-TAACTTTCTTCAGTGACAAGGCACCAGCTTCATAAGTAGCAGCCACTCTCACACCAACAG[C>T]AGATGCACAAGAGACCACCAGGCTGTTTAGGGCTGAGGTGCTTGTGGTAGGCGGGCTGTG-3'
Protein context (NP_065970.2, residues 392-412): LNSLVVSCAS[Ala402Thr]VGVRVAATYE

ClinVar aggregate classification (germline): Uncertain significance. Review status: criteria provided, multiple submitters, no conflicts (2 of 4 stars). 2 submissions from 2 submitters: Uncertain significance (2). Last evaluated 2025-09-24.

Conditions:
Inborn genetic diseases. Identifiers: MedGen C0950123, MeSH D030342.
Infantile-onset ascending hereditary spastic paralysis (IAHSP). Also called: Infantile-Onset Ascending Hereditary Spastic Paralysis (IAHSP); Autosomal Recessive Juvenile Amyotrophic Lateral Sclerosis. Identifiers: Orphanet 293168, MedGen C2931441, MONDO:0011797, OMIM 607225. Disease mechanism: loss of function.

Allele frequency attached by ClinVar (database versions not stated): gnomAD exomes below 0.00001; gnomAD 0.00001.
gnomAD v4.1: 5 of 1,613,942 alleles (0.00031%); highest among the groups gnomAD compares: Middle Eastern, 0.016%; no homozygotes.

Submissions (2):

Ambry Genetics
Classification: Uncertain significance for Inborn genetic diseases. Last evaluated: 2025-09-24. Review status: criteria provided, single submitter. Criteria: Ambry Variant Classification Scheme 2023. Collection method: clinical testing. Allele origin: germline.

Labcorp Genetics (formerly Invitae), Labcorp
Classification: Uncertain significance for Infantile-onset ascending hereditary spastic paralysis. Last evaluated: 2025-04-23. Review status: criteria provided, single submitter. Criteria: Invitae Variant Classification Sherloc (09022015). Collection method: clinical testing. Allele origin: germline.
Comment: This sequence change replaces alanine, which is neutral and non-polar, with threonine, which is neutral and polar, at codon 402 of the ALS2 protein (p.Ala402Thr). This variant is present in population databases (no rsID available, gnomAD 0.007%). This variant has not been reported in the literature in individuals affected with ALS2-related conditions. ClinVar contains an entry for this variant (Variation ID: 2148976). Invitae Evidence Modeling of protein sequence and biophysical properties (such as structural, functional, and spatial information, amino acid conservation, physicochemical variation, residue mobility, and thermodynamic stability) indicates that this missense variant is not expected to disrupt ALS2 protein function with a negative predictive value of 80%. In summary, the available evidence is currently insufficient to determine the role of this variant in disease. Therefore, it has been classified as a Variant of Uncertain Significance.